The following is an entry in ClinVar:

NM_001080516.2(GRXCR2):c.155G>A (p.Ser52Asn)

Gene: GRXCR2 (glutaredoxin and cysteine rich domain containing 2; minus strand). Cytogenetic location: 5q32.
Variant type: single nucleotide variant.
Coding change: c.155G>A on transcript NM_001080516.2 (MANE Select); coding-DNA position 155, G replaced by A.
Protein change: p.Ser52Asn; replaces serine 52 with asparagine.
Molecular consequence: missense variant.
Genome position (GRCh38, 1-based): chr5:145,872,814, C>T on the plus strand (G>A on the coding strand, the complement: GRXCR2 is on the minus strand). VCF-style: chr5-145872814-C-T. GRCh37 (hg19) VCF-style: chr5-145252377-C-T.
Other names: p.Ser52Asn; short protein forms S52N.
Identifiers: ClinVar variation 804888 (VCV000804888.13), dbSNP rs34892428, ClinGen allele CA3488101.

ClinVar aggregate classification (germline): Benign. Review status: criteria provided, multiple submitters, no conflicts (2 of 4 stars). 5 submissions from 5 submitters: Benign (4). 1 of the submissions does not count toward it. Last evaluated 2026-02-01.

Conditions:
GRXCR2-related disorder. Also called: GRXCR2-related condition.

Allele frequency attached by ClinVar (database versions not stated): 1000 Genomes Project 30x 0.06277; gnomAD exomes 0.03112 and 0.03640; ExAC 0.03842; gnomAD 0.05169 and 0.05136; ESP Exome Variant Server 0.05705; 1000 Genomes Project 0.05891; TOPMed 0.05234.
gnomAD v4.1: 53,510 of 1,614,088 alleles (3.3%); highest among the groups gnomAD compares: African/African-American, 11%; 1,358 homozygotes.

Submissions (5):

Labcorp Genetics (formerly Invitae), Labcorp
Classification: Benign. Last evaluated: 2026-02-01. Review status: criteria provided, single submitter. Criteria: Invitae Variant Classification Sherloc (09022015). Collection method: clinical testing. Allele origin: germline.

Mayo Clinic Laboratories, Mayo Clinic
Classification: Benign. Last evaluated: 2022-04-17. Review status: criteria provided, single submitter. Criteria: ACMG Guidelines, 2015. Collection method: clinical testing. Allele origin: germline. Observed: 14 variant alleles.

GeneDx
Classification: Benign. Last evaluated: 2021-05-04. Review status: criteria provided, single submitter. Criteria: GeneDx Variant Classification Process June 2021. Collection method: clinical testing. Allele origin: germline. Affected: yes.

Athena Diagnostics
Classification: Benign. Last evaluated: 2019-04-16. Review status: criteria provided, single submitter. Criteria: Athena Diagnostics Criteria. Collection method: clinical testing. Allele origin: germline.

PreventionGenetics, part of Exact Sciences
Classification: Benign for GRXCR2-related condition. Last evaluated: 2019-05-07. Review status: no assertion criteria provided. Collection method: clinical testing. Allele origin: germline. Not counted in ClinVar's aggregate classification.
Comment: This variant is classified as benign based on ACMG/AMP sequence variant interpretation guidelines (Richards et al. 2015 PMID: 25741868, with internal and published modifications).